The following is an entry in ClinVar:

NM_006279.5(ST3GAL3):c.401A>G (p.Asn134Ser)

Gene: ST3GAL3 (ST3 beta-galactoside alpha-2,3-sialyltransferase 3; plus strand). Cytogenetic location: 1p34.1.
Variant type: single nucleotide variant.
Coding change: c.401A>G on transcript NM_006279.5 (MANE Select); coding-DNA position 401, A replaced by G.
Protein change: p.Asn134Ser; replaces asparagine 134 with serine.
Molecular consequence: missense variant. On other transcripts: non-coding transcript variant (7), intron variant (4).
Genome position (GRCh38, 1-based): chr1:43,898,238, A>G. VCF-style: chr1-43898238-A-G. GRCh37 (hg19) VCF-style: chr1-44363910-A-G.
Other names: c.401A>G, p.Asn134Ser (NM_001270459.2, NM_001350620.2, NM_174966.4); c.308A>G, p.Asn103Ser (NM_001270460.2); c.353A>G, p.Asn118Ser (NM_001270461.3, NM_001270464.3, NM_174969.4); c.260A>G, p.Asn87Ser (NM_001270462.3); c.398A>G, p.Asn133Ser (NM_001270463.3, NM_001270465.3); c.446A>G, p.Asn149Ser (NM_001350619.2, NM_174964.4); c.122A>G, p.Asn41Ser (NM_001350621.2); c.563A>G, p.Asn188Ser (NM_001363573.2, NM_174968.5); and 6 more; short protein forms N134S, N203S, N87S, N149S, N41S, N103S, N118S, N133S.
Identifiers: ClinVar variation 436873 (VCV000436873.18), dbSNP rs745451424, ClinGen allele CA814689.

ClinVar aggregate classification (germline): Conflicting classifications of pathogenicity. Review status: criteria provided, conflicting classifications (1 of 4 stars). 5 submissions from 5 submitters: Uncertain significance (4); Likely benign (1). Last evaluated 2024-09-20.

Conditions:
Early-infantile DEE. Also called: Early infantile epileptic encephalopathy; Early infantile epileptic encephalopathy with suppression bursts; Ohtahara syndrome. Identifiers: Orphanet 1934, MedGen C0393706, MONDO:0800491.
Epilepsy due to perinatal stroke. Identifiers: MedGen C4511427.
Intellectual developmental disorder, autosomal recessive 12. Also called: Intellectual disability, autosomal recessive 12. Identifiers: Orphanet 88616, MedGen C1970200, MONDO:0012612, OMIM 611090.
Developmental and epileptic encephalopathy, 15 (DEE15). Also called: Early infantile epileptic encephalopathy 15. Identifiers: Orphanet 3451, MedGen C3554316, MONDO:0014003, OMIM 615006.

Allele frequency attached by ClinVar (database versions not stated): gnomAD exomes below 0.00001 and 0.00001; gnomAD 0.00001; TOPMed below 0.00001; ExAC 0.00002.
gnomAD v4.1: 19 of 1,613,804 alleles (0.0012%); highest among the groups gnomAD compares: South Asian, 0.015%; no homozygotes.

Submissions (6):

3billion
Classification: Likely benign for Developmental and epileptic encephalopathy, 15; Intellectual developmental disorder, autosomal recessive 12. Last evaluated: 2024-09-20. Review status: criteria provided, single submitter. Criteria: ACMG Guidelines, 2015. Collection method: clinical testing. Allele origin: germline. Affected: no.
Comment: The homozygous variant was found in patients diagnosed with another variant in a different gene, with no symptoms related to the gene containing the homozygous variant.

Labcorp Genetics (formerly Invitae), Labcorp
Classification: Uncertain significance for Early-infantile DEE. Last evaluated: 2022-06-20. Review status: criteria provided, single submitter. Criteria: Invitae Variant Classification Sherloc (09022015). Collection method: clinical testing. Allele origin: germline.
Comment: This sequence change replaces asparagine, which is neutral and polar, with serine, which is neutral and polar, at codon 134 of the ST3GAL3 protein (p.Asn134Ser). In summary, the available evidence is currently insufficient to determine the role of this variant in disease. Therefore, it has been classified as a Variant of Uncertain Significance. Algorithms developed to predict the effect of sequence changes on RNA splicing suggest that this variant may create or strengthen a splice site. Algorithms developed to predict the effect of missense changes on protein structure and function (SIFT, PolyPhen-2, Align-GVGD) all suggest that this variant is likely to be tolerated. ClinVar contains an entry for this variant (Variation ID: 436873). This variant has not been reported in the literature in individuals affected with ST3GAL3-related conditions. This variant is present in population databases (rs745451424, gnomAD 0.003%).

Revvity Omics, Revvity
Classification: Uncertain significance. Last evaluated: 2019-11-25. Review status: criteria provided, single submitter. Criteria: ACMG Guidelines, 2015. Collection method: clinical testing. Allele origin: germline.

Clinical Molecular Genetics Laboratory, Johns Hopkins All Children's Hospital
Classification: Uncertain significance for Epilepsy due to perinatal stroke. Last evaluated: 2017-06-01. Review status: criteria provided, single submitter. Criteria: ACMG Guidelines, 2015. Collection method: clinical testing. Allele origin: germline. Affected: yes.

Genetic Services Laboratory, University of Chicago
Classification: Uncertain significance. Last evaluated: 2016-06-02. Review status: criteria provided, single submitter. Criteria: ACMG Guidelines, 2015. Collection method: clinical testing. Allele origin: germline. Affected: no.

Dr. Peter K. Rogan Lab, Western University
No classification provided (evidence only). Condition: Sarcoma. Review status: no classification provided. Collection method: in vitro. Allele origin: not applicable. Functional consequence: retained intron. Not counted in ClinVar's aggregate classification.